The following is an entry in ClinVar:

NM_021999.5(ITM2B):c.512C>T (p.Thr171Ile)

Gene: ITM2B (integral membrane protein 2B; plus strand). Cytogenetic location: 13q14.2.
Variant type: single nucleotide variant.
Coding change: c.512C>T on transcript NM_021999.5 (MANE Select); coding-DNA position 512, C replaced by T.
Protein change: p.Thr171Ile; replaces threonine 171 with isoleucine.
Molecular consequence: missense variant.
Genome position (GRCh38, 1-based): chr13:48,258,184, C>T. VCF-style: chr13-48258184-C-T. GRCh37 (hg19) VCF-style: chr13-48832320-C-T.
Other names: short protein forms T171I.
Identifiers: ClinVar variation 1471997 (VCV001471997.6), dbSNP rs1951800797, ClinGen allele CA388251634.

ClinVar aggregate classification (germline): Uncertain significance (1 of 4 stars; one submission).

Submission:

Labcorp Genetics (formerly Invitae), Labcorp
Classification: Uncertain significance. Last evaluated: 2024-10-24. Review status: criteria provided, single submitter. Criteria: Invitae Variant Classification Sherloc (09022015). Collection method: clinical testing. Allele origin: germline.
Comment: This sequence change replaces threonine, which is neutral and polar, with isoleucine, which is neutral and non-polar, at codon 171 of the ITM2B protein (p.Thr171Ile). This variant is not present in population databases (gnomAD no frequency). This variant has not been reported in the literature in individuals affected with ITM2B-related conditions. ClinVar contains an entry for this variant (Variation ID: 1471997). Invitae Evidence Modeling of protein sequence and biophysical properties (such as structural, functional, and spatial information, amino acid conservation, physicochemical variation, residue mobility, and thermodynamic stability) indicates that this missense variant is expected to disrupt ITM2B protein function with a positive predictive value of 80%. In summary, the available evidence is currently insufficient to determine the role of this variant in disease. Therefore, it has been classified as a Variant of Uncertain Significance.